The following is an entry in ClinVar:

ClinVar aggregate classification (germline): Uncertain significance. Review status: criteria provided, multiple submitters, no conflicts (2 of 4 stars). 4 submissions from 4 submitters: Uncertain significance (4). Last evaluated 2025-08-11.

Conditions:
Nephronophthisis. Also called: Juvenile Nephronophthisis. Identifiers: Orphanet 655, MedGen C0687120, MONDO:0019005, HP:0000090.
Jeune thoracic dystrophy. Also called: Short-rib thoracic dysplasia; Jeune syndrome; Infantile thoracic dystrophy; Thoracic pelvic phalangeal dystrophy; Jeune's syndrome; Chondroectodermal dysplasia-like syndrome. Identifiers: Orphanet 474, MedGen C0265275, MONDO:0018770.
Inborn genetic diseases. Identifiers: MedGen C0950123, MeSH D030342.
TTC21B-related disorder. Also called: TTC21B-related condition; TTC21B-related disorders.
Nephronophthisis 12 (NPHP12). Identifiers: Orphanet 655, MedGen C3151186, MONDO:0013442, OMIM 613820.
Asphyxiating thoracic dystrophy 4 (SRTD4). Also called: SHORT-RIB THORACIC DYSPLASIA 4 WITH OR WITHOUT POLYDACTYLY; SHORT-RIB THORACIC DYSPLASIA 4. Identifiers: Orphanet 474, MedGen C3151185, MONDO:0013441, OMIM 613819.

Allele frequency attached by ClinVar (database versions not stated): gnomAD exomes below 0.00001; TOPMed below 0.00001; ExAC 0.00001.
gnomAD v4.1: 3 of 1,613,992 alleles (0.00019%); highest among the groups gnomAD compares: Non-Finnish European, 0.00025%; no homozygotes.

Submissions (4):

Ambry Genetics
Classification: Uncertain significance for Inborn genetic diseases. Last evaluated: 2025-08-11. Review status: criteria provided, single submitter. Criteria: Ambry Variant Classification Scheme 2023. Collection method: clinical testing. Allele origin: germline.

PreventionGenetics, part of Exact Sciences
Classification: Uncertain significance for TTC21B-related condition. Last evaluated: 2025-07-23. Review status: criteria provided, single submitter. Criteria: ACMG Guidelines, 2015. Collection method: clinical testing. Allele origin: germline.
Comment: The TTC21B c.1523T>C variant is predicted to result in the amino acid substitution p.Ile508Thr. To our knowledge, this variant has not been reported in the literature. This variant is reported in 0.00088% of alleles in individuals of European (Non-Finnish) descent in gnomAD. At this time, the clinical significance of this variant is uncertain due to the absence of conclusive functional and genetic evidence.

Fulgent Genetics
Classification: Uncertain significance for Asphyxiating thoracic dystrophy 4; Nephronophthisis 12. Last evaluated: 2024-02-19. Review status: criteria provided, single submitter. Criteria: ACMG Guidelines, 2015. Collection method: clinical testing. Allele origin: germline.

Labcorp Genetics (formerly Invitae), Labcorp
Classification: Uncertain significance for Jeune thoracic dystrophy; Nephronophthisis. Last evaluated: 2022-08-23. Review status: criteria provided, single submitter. Criteria: Invitae Variant Classification Sherloc (09022015). Collection method: clinical testing. Allele origin: germline.
Comment: This sequence change replaces isoleucine, which is neutral and non-polar, with threonine, which is neutral and polar, at codon 508 of the TTC21B protein (p.Ile508Thr). This variant is present in population databases (rs769248659, gnomAD 0.0009%). This variant has not been reported in the literature in individuals affected with TTC21B-related conditions. ClinVar contains an entry for this variant (Variation ID: 1498497). Algorithms developed to predict the effect of missense changes on protein structure and function output the following: SIFT: "Tolerated"; PolyPhen-2: "Benign"; Align-GVGD: "Class C0". The threonine amino acid residue is found in multiple mammalian species, which suggests that this missense change does not adversely affect protein function. In summary, the available evidence is currently insufficient to determine the role of this variant in disease. Therefore, it has been classified as a Variant of Uncertain Significance.

NM_024753.5(TTC21B):c.1523T>C (p.Ile508Thr)

Gene: TTC21B (tetratricopeptide repeat domain 21B; minus strand). Cytogenetic location: 2q24.3.
Variant type: single nucleotide variant.
Coding change: c.1523T>C on transcript NM_024753.5 (MANE Select); coding-DNA position 1523, T replaced by C.
Protein change: p.Ile508Thr; replaces isoleucine 508 with threonine.
Molecular consequence: missense variant.
Genome position (GRCh38, 1-based): chr2:165,919,427, A>G on the plus strand (T>C on the coding strand, the complement: TTC21B is on the minus strand). VCF-style: chr2-165919427-A-G. GRCh37 (hg19) VCF-style: chr2-166775937-A-G.
Other names: c.1523T>C (NM_024753.3, NM_024753.4); short protein forms I508T.
Identifiers: ClinVar variation 1498497 (VCV001498497.7), dbSNP rs769248659, ClinGen allele CA1942091.
Genomic context (GRCh38, chr2:165,919,427, plus strand): 5'-GCATCAGCATAAGAGGGATTGTGTTCTAAGCAGTGCTGAAGGTTATTGAAAGCTGCTTCA[A>G]TATCACCTAATAAGAAAAACAATGCATTGTTATAATTCAAATGATTAAGAAATGGAGATC-3'
Protein context (NP_079029.3, residues 498-518): IAKVKYLSGD[Ile508Thr]EAAFNNLQHC